The following is an entry in ClinVar:

NM_182914.3(SYNE2):c.18640A>G (p.Arg6214Gly)

Gene: SYNE2 (spectrin repeat containing nuclear envelope protein 2; plus strand). Cytogenetic location: 14q23.2.
Variant type: single nucleotide variant.
Coding change: c.18640A>G on transcript NM_182914.3 (MANE Select); coding-DNA position 18640, A replaced by G.
Protein change: p.Arg6214Gly; replaces arginine 6214 with glycine.
Molecular consequence: missense variant.
Genome position (GRCh38, 1-based): chr14:64,210,041, A>G. VCF-style: chr14-64210041-A-G. GRCh37 (hg19) VCF-style: chr14-64676759-A-G.
Other names: c.18640A>G, p.Arg6214Gly (NM_015180.6); short protein forms R6214G.
Identifiers: ClinVar variation 1445465 (VCV001445465.6), dbSNP rs2098631907, ClinGen allele CA389951384.

ClinVar aggregate classification (germline): Uncertain significance (1 of 4 stars; one submission).

Conditions:
Emery-Dreifuss muscular dystrophy 5, autosomal dominant (EDMD5). Also called: EMERY-DREIFUSS MUSCULAR DYSTROPHY 5. Identifiers: Orphanet 261, MedGen C2751805, MONDO:0013072, OMIM 612999.

Allele frequency attached by ClinVar (database versions not stated): gnomAD exomes below 0.00001.
gnomAD v4.1: 4 of 1,614,184 alleles (0.00025%); highest among the groups gnomAD compares: Non-Finnish European, 0.00034%; no homozygotes.

Submission:

Labcorp Genetics (formerly Invitae), Labcorp
Classification: Uncertain significance for Emery-Dreifuss muscular dystrophy 5, autosomal dominant. Last evaluated: 2022-07-12. Review status: criteria provided, single submitter. Criteria: Invitae Variant Classification Sherloc (09022015). Collection method: clinical testing. Allele origin: germline.
Comment: This variant has not been reported in the literature in individuals affected with SYNE2-related conditions. ClinVar contains an entry for this variant (Variation ID: 1445465). Algorithms developed to predict the effect of missense changes on protein structure and function are either unavailable or do not agree on the potential impact of this missense change (SIFT: "Deleterious"; PolyPhen-2: "Benign"; Align-GVGD: "Class C0"). In summary, the available evidence is currently insufficient to determine the role of this variant in disease. Therefore, it has been classified as a Variant of Uncertain Significance. This variant is not present in population databases (gnomAD no frequency). This sequence change replaces arginine, which is basic and polar, with glycine, which is neutral and non-polar, at codon 6214 of the SYNE2 protein (p.Arg6214Gly).